The following is an entry in ClinVar:

ClinVar aggregate classification (germline): Likely benign. Review status: criteria provided, multiple submitters, no conflicts (2 of 4 stars). 2 submissions from 2 submitters: Likely benign (2). Last evaluated 2026-09-09.

Conditions:
AP3D1-related disorder. Also called: AP3D1-related condition.

Allele frequency attached by ClinVar (database versions not stated): gnomAD 0.00004 and 0.00007; TOPMed 0.00012; 1000 Genomes Project 30x 0.00016; gnomAD exomes 0.00018; 1000 Genomes Project 0.00020; ExAC 0.00027.
gnomAD v4.1: 117 of 1,604,730 alleles (0.0073%); highest among the groups gnomAD compares: East Asian, 0.2%; no homozygotes.

Submissions (2):

PreventionGenetics, part of Exact Sciences
Classification: Likely benign for AP3D1-related condition. Last evaluated: 2026-09-09. Review status: criteria provided, single submitter. Criteria: ACMG Guidelines, 2015. Collection method: clinical testing. Allele origin: germline.
Comment: This variant is classified as likely benign based on ACMG/AMP sequence variant interpretation guidelines (Richards et al. 2015 PMID: 25741868, with internal and published modifications).

Labcorp Genetics (formerly Invitae), Labcorp
Classification: Likely benign. Last evaluated: 2026-01-14. Review status: criteria provided, single submitter. Criteria: Invitae Variant Classification Sherloc (09022015). Collection method: clinical testing. Allele origin: germline.

NM_001261826.3(AP3D1):c.2891C>T (p.Ala964Val)

Gene: AP3D1 (adaptor related protein complex 3 subunit delta 1; minus strand). Cytogenetic location: 19p13.3.
Variant type: single nucleotide variant.
Coding change: c.2891C>T on transcript NM_001261826.3 (MANE Select); coding-DNA position 2891, C replaced by T.
Protein change: p.Ala964Val; replaces alanine 964 with valine.
Molecular consequence: missense variant.
Genome position (GRCh38, 1-based): chr19:2,111,725, G>A on the plus strand (C>T on the coding strand, the complement: AP3D1 is on the minus strand). VCF-style: chr19-2111725-G-A. GRCh37 (hg19) VCF-style: chr19-2111724-G-A.
Other names: c.2855C>T, p.Ala952Val (NM_001374799.1); c.2705C>T, p.Ala902Val (NM_003938.8); c.2891C>T (NM_001261826.1); short protein forms A902V, A952V, A964V.
Identifiers: ClinVar variation 1656220 (VCV001656220.9), dbSNP rs547683806, ClinGen allele CA9058685.
Genomic context (GRCh38, chr19:2,111,725, plus strand): 5'-GAAGTACCCCTCACCGGGAGCTGCTCCTCCTCTGGCGCGCCATTCTGCACCGGCTCCCCC[G>A]CTGCCTCCTCGCTGCCTGGAGGCTGCTTCTTGGACTTCTTCTTGCCTTTGGTCCGCTCCT-3'
Protein context (NP_001248755.1, residues 954-974): KKQPPGSEEA[Ala964Val]GEPVQNGAPE